The following is an entry in ClinVar:

ClinVar aggregate classification (germline): Uncertain significance (1 of 4 stars; one submission).

Conditions:
Primary ciliary dyskinesia 5. Also called: CILIARY DYSKINESIA, PRIMARY, 5, WITHOUT SITUS INVERSUS. Identifiers: Orphanet 244, MedGen C1837615, MONDO:0012088, OMIM 608647.

gnomAD v4.1: 8 of 1,363,444 alleles (0.00059%); highest among the groups gnomAD compares: South Asian, 0.0027%; no homozygotes.

Submission:

Johns Hopkins Genomics, Johns Hopkins University
Classification: Uncertain significance for Primary ciliary dyskinesia 5. Last evaluated: 2024-05-03. Review status: criteria provided, single submitter. Criteria: ACMG Guidelines, 2015. Collection method: clinical testing. Allele origin: germline.
Comment: This HYDIN missense variant (rs1211165728) is rare (<0.1%) in a large population dataset (gnomAD v4.1.0: 8/1363444 total alleles; 0.0006%; no homozygotes). It has not been reported in ClinVar nor the literature, to our knowledge. Of two bioinformatics tools queried, one predicts that the substitution would be damaging, while the other predicts that it would be tolerated. The arginine residue at this position is evolutionarily conserved across many of the species assessed, and glutamine at this codon is present in five species. We consider the clinical significance of c.8357G>A in HYDIN to be uncertain at this time.

Literature cited by the submitters: PubMed 36742411.

NM_001270974.2(HYDIN):c.8357G>A (p.Arg2786Gln)

Gene: HYDIN (HYDIN axonemal central pair apparatus protein; minus strand). Cytogenetic location: 16q22.2.
Variant type: single nucleotide variant.
Coding change: c.8357G>A on transcript NM_001270974.2 (MANE Select); coding-DNA position 8357, G replaced by A.
Protein change: p.Arg2786Gln; replaces arginine 2786 with glutamine.
Molecular consequence: missense variant.
Genome position (GRCh38, 1-based): chr16:70,908,291, C>T on the plus strand (G>A on the coding strand, the complement: HYDIN is on the minus strand). VCF-style: chr16-70908291-C-T. GRCh37 (hg19) VCF-style: chr16-70942194-C-T.
Other names: short protein forms R2786Q.
Identifiers: ClinVar variation 4280000 (VCV004280000.1).